The following is an entry in ClinVar:

ClinVar aggregate classification (germline): Uncertain significance (1 of 4 stars; one submission).

Conditions:
Myofibrillar myopathy 5. Also called: Filaminopathy (type); FILAMINOPATHY, AUTOSOMAL DOMINANT. Identifiers: Orphanet 171445, MedGen C1836050, MONDO:0012289, OMIM 609524.
Hypertrophic cardiomyopathy 26. Also called: Cardiomyopathy, familial hypertrophic, 26. Identifiers: Orphanet 75249, MedGen C4310749, MONDO:0014883, OMIM 617047.
Distal myopathy with posterior leg and anterior hand involvement. Also called: WILLIAMS DISTAL MYOPATHY. Identifiers: Orphanet 63273, MedGen C3279722, MONDO:0013550, OMIM 614065.

Submission:

Labcorp Genetics (formerly Invitae), Labcorp
Classification: Uncertain significance for Distal myopathy with posterior leg and anterior hand involvement; Myofibrillar myopathy 5; Hypertrophic cardiomyopathy 26. Last evaluated: 2023-06-17. Review status: criteria provided, single submitter. Criteria: Invitae Variant Classification Sherloc (09022015). Collection method: clinical testing. Allele origin: germline.
Comment: This sequence change replaces isoleucine, which is neutral and non-polar, with valine, which is neutral and non-polar, at codon 1590 of the FLNC protein (p.Ile1590Val). In summary, the available evidence is currently insufficient to determine the role of this variant in disease. Therefore, it has been classified as a Variant of Uncertain Significance. Advanced modeling of protein sequence and biophysical properties (such as structural, functional, and spatial information, amino acid conservation, physicochemical variation, residue mobility, and thermodynamic stability) has been performed at Invitae for this missense variant, however the output from this modeling did not meet the statistical confidence thresholds required to predict the impact of this variant on FLNC protein function. This variant has not been reported in the literature in individuals affected with FLNC-related conditions. This variant is not present in population databases (gnomAD no frequency).

NM_001458.5(FLNC):c.4768A>G (p.Ile1590Val)

Gene: FLNC (filamin C; plus strand). Cytogenetic location: 7q32.1.
Variant type: single nucleotide variant.
Coding change: c.4768A>G on transcript NM_001458.5 (MANE Select); coding-DNA position 4768, A replaced by G.
Protein change: p.Ile1590Val; replaces isoleucine 1590 with valine.
Molecular consequence: missense variant.
Genome position (GRCh38, 1-based): chr7:128,848,823, A>G. VCF-style: chr7-128848823-A-G. GRCh37 (hg19) VCF-style: chr7-128488877-A-G.
Other names: c.4768A>G, p.Ile1590Val (NM_001127487.2); short protein forms I1590V.
Identifiers: ClinVar variation 2927900 (VCV002927900.3), dbSNP rs2128937628, ClinGen allele CA369202988.
Genomic context (GRCh38, chr7:128,848,823, plus strand): 5'-GGCGGGCCTTGACCTCTGCTTCTCCCTCAGGACCCCGAGGGTAAGCCCAAGAAGGCCAAC[A>G]TCCGGGACAATGGGGATGGCACGTACACTGTGTCCTACCTGCCGGACATGAGTGGCCGGT-3'
Protein context (NP_001449.3, residues 1580-1600): DPEGKPKKAN[Ile1590Val]RDNGDGTYTV